The following is an entry in ClinVar:

ClinVar aggregate classification (germline): Uncertain significance (1 of 4 stars; one submission).

Conditions:
Inborn genetic diseases. Identifiers: MedGen C0950123, MeSH D030342.

Submission:

Ambry Genetics
Classification: Uncertain significance for Inborn genetic diseases. Last evaluated: 2025-12-21. Review status: criteria provided, single submitter. Criteria: Ambry Variant Classification Scheme 2023. Collection method: clinical testing. Allele origin: germline.
Comment: The p.V729A variant (also known as c.2186T>C), located in coding exon 13 of the RECQL4 gene, results from a T to C substitution at nucleotide position 2186. The valine at codon 729 is replaced by alanine, an amino acid with similar properties. This amino acid position is conserved. In addition, this alteration is predicted to be tolerated by in silico analysis. Based on the available evidence, the clinical significance of this variant remains unclear.

NM_004260.4(RECQL4):c.2186T>C (p.Val729Ala)

Gene: RECQL4 (RecQ like helicase 4; minus strand). Cytogenetic location: 8q24.3.
Variant type: single nucleotide variant.
Coding change: c.2186T>C on transcript NM_004260.4 (MANE Select); coding-DNA position 2186, T replaced by C.
Protein change: p.Val729Ala; replaces valine 729 with alanine.
Molecular consequence: missense variant. On other transcripts: non-coding transcript variant (2).
Genome position (GRCh38, 1-based): chr8:144,513,585, A>G on the plus strand (T>C on the coding strand, the complement: RECQL4 is on the minus strand). VCF-style: chr8-144513585-A-G. GRCh37 (hg19) VCF-style: chr8-145738969-A-G.
Other names: c.2090T>C, p.Val697Ala (NM_001413017.1, NM_001413020.1); c.2186T>C, p.Val729Ala (NM_001413018.1, NM_001413019.1, NM_001413036.1); c.1115T>C, p.Val372Ala (NM_001413021.1, NM_001413022.1, NM_001413034.1 and 6 more transcripts); c.983T>C, p.Val328Ala (NM_001413037.1); c.2156T>C, p.Val719Ala (NM_001413039.1); c.1049T>C, p.Val350Ala (NM_001413041.1, NM_001413027.1, NM_001413030.1 and 1 more transcripts); c.1085T>C, p.Val362Ala (NM_001413042.1); c.2057T>C, p.Val686Ala (NM_001413025.1); and 4 more; short protein forms V240A, V685A, V686A, V306A, V362A, V697A, V350A, V612A.
Identifiers: ClinVar variation 4841562 (VCV004841562.1).